The following is an entry in ClinVar:

NM_001270974.2(HYDIN):c.2943T>C (p.Asp981=)

Gene: HYDIN (HYDIN axonemal central pair apparatus protein; minus strand). Cytogenetic location: 16q22.2.
Variant type: single nucleotide variant.
Coding change: c.2943T>C on transcript NM_001270974.2 (MANE Select); coding-DNA position 2943, T replaced by C.
Protein change: p.Asp981=; no amino-acid change (aspartic acid 981 retained).
Molecular consequence: synonymous variant.
Genome position (GRCh38, 1-based): chr16:71,027,701, A>G on the plus strand (T>C on the coding strand, the complement: HYDIN is on the minus strand). VCF-style: chr16-71027701-A-G. GRCh37 (hg19) VCF-style: chr16-71061604-A-G.
Other names: c.2943T>C, p.Asp981= (NM_017558.5).
Identifiers: ClinVar variation 3250538 (VCV003250538.19), dbSNP rs201092966.
Genomic context (GRCh38, chr16:71,027,701, plus strand): 5'-TGCCTGGCCTGGGTACAGCTCCATGCTGGCGGGGTGGAGATGAAACACGGGGCTCTGTGG[A>G]TCCCTGGGCTCCTGAGAGCCACTGGGCTGGGGTTGGACATGAGCATGTCCCTTCTTAACC-3'
Protein context (NP_001257903.1, residues 971-991): PQPSGSQEPR[Asp981=]PQSPVFHLHP

ClinVar aggregate classification (germline): Likely benign. Review status: criteria provided, multiple submitters, no conflicts (2 of 4 stars). 2 submissions from 2 submitters: Likely benign (2). Last evaluated 2026-06-01.

Allele frequency attached by ClinVar (database versions not stated): ESP Exome Variant Server 0.00081; gnomAD exomes 0.00104; ExAC 0.00125; gnomAD 0.00130; 1000 Genomes Project 30x 0.00156; 1000 Genomes Project 0.00180.
gnomAD v4.1: 1,675 of 1,580,874 alleles (0.11%); highest among the groups gnomAD compares: Admixed American, 0.3%; 2 homozygotes.

Submissions (2):

CeGaT Center for Human Genetics Tuebingen
Classification: Likely benign. Last evaluated: 2026-06-01. Review status: criteria provided, single submitter. Criteria: CeGaT Center For Human Genetics Tuebingen Variant Classification Criteria Version 2. Collection method: clinical testing. Allele origin: germline. Affected: yes. Observed: 2 variant alleles.
Comment: HYDIN: BP4, BP7

Blueprint Genetics
Classification: Likely benign. Last evaluated: 2024-11-27. Review status: criteria provided, single submitter. Criteria: ACMG Guidelines, 2015. Collection method: clinical testing. Allele origin: germline.